The following is an entry in ClinVar:

ClinVar aggregate classification (germline): Uncertain significance (1 of 4 stars; one submission).

Allele frequency attached by ClinVar (database versions not stated): gnomAD 0.00001.
gnomAD v4.1: 9 of 1,613,052 alleles (0.00056%); highest among the groups gnomAD compares: Admixed American, 0.005%; no homozygotes.

Submission:

GeneDx
Classification: Uncertain significance. Last evaluated: 2022-07-08. Review status: criteria provided, single submitter. Criteria: GeneDx Variant Classification Process June 2021. Collection method: clinical testing. Allele origin: germline. Affected: yes.
Comment: Not observed at significant frequency in large population cohorts (gnomAD); In silico analysis supports that this missense variant does not alter protein structure/function; Has not been previously published as pathogenic or benign to our knowledge

NM_000441.2(SLC26A4):c.2335G>C (p.Ala779Pro)

Gene: SLC26A4 (solute carrier family 26 member 4; plus strand). Cytogenetic location: 7q22.3.
Variant type: single nucleotide variant.
Coding change: c.2335G>C on transcript NM_000441.2 (MANE Select); coding-DNA position 2335, G replaced by C.
Protein change: p.Ala779Pro; replaces alanine 779 with proline.
Molecular consequence: missense variant.
Genome position (GRCh38, 1-based): chr7:107,715,438, G>C. VCF-style: chr7-107715438-G-C. GRCh37 (hg19) VCF-style: chr7-107355883-G-C.
Other names: short protein forms A779P.
Identifiers: ClinVar variation 1810566 (VCV001810566.1), dbSNP rs776447767, ClinGen allele CA368847378.